The following is an entry in ClinVar:

NM_005529.7(HSPG2):c.11475C>T (p.Ile3825=)

Gene: HSPG2 (heparan sulfate proteoglycan 2; minus strand). Cytogenetic location: 1p36.12.
Variant type: single nucleotide variant.
Coding change: c.11475C>T on transcript NM_005529.7 (MANE Select); coding-DNA position 11475, C replaced by T.
Protein change: p.Ile3825=; no amino-acid change (isoleucine 3825 retained).
Molecular consequence: synonymous variant.
Genome position (GRCh38, 1-based): chr1:21,831,302, G>A on the plus strand (C>T on the coding strand, the complement: HSPG2 is on the minus strand). VCF-style: chr1-21831302-G-A. GRCh37 (hg19) VCF-style: chr1-22157795-G-A.
Other names: c.11478C>T, p.Ile3826= (NM_001291860.2).
Identifiers: ClinVar variation 198958 (VCV000198958.59), dbSNP rs111866498, ClinGen allele CA247892.

ClinVar aggregate classification (germline): Conflicting classifications of pathogenicity. Review status: criteria provided, conflicting classifications (1 of 4 stars). 10 submissions from 9 submitters: Uncertain significance (1); Benign (4); Likely benign (5). Last evaluated 2026-08-01.

Conditions:
Connective tissue disorder. Also called: Connective tissue disease. Identifiers: MedGen C0009782, MONDO:0003900.
Schwartz-Jampel syndrome. Also called: Myotonic myopathy dwarfism chondrodystrophy and ocular and facial abnormalities. Identifiers: Orphanet 800, MedGen C0036391, MONDO:0009717.
Lethal Kniest-like syndrome (DDSH). Also called: Dyssegmental Dysplasia. Identifiers: Orphanet 1865, MedGen C1857100, MONDO:0009140, OMIM 224410.

Allele frequency attached by ClinVar (database versions not stated): 1000 Genomes Project 30x 0.00078; 1000 Genomes Project 0.00100; ExAC 0.00235; ESP Exome Variant Server 0.00254; TOPMed 0.00270; gnomAD exomes 0.00272 and 0.00373; gnomAD 0.00284 and 0.00321.
gnomAD v4.1: 5,847 of 1,614,058 alleles (0.36%); highest among the groups gnomAD compares: Non-Finnish European, 0.42%; 10 homozygotes.

Submissions (10):

CeGaT Center for Human Genetics Tuebingen
Classification: Likely benign. Last evaluated: 2026-08-01. Review status: criteria provided, single submitter. Criteria: CeGaT Center For Human Genetics Tuebingen Variant Classification Criteria Version 2. Collection method: clinical testing. Allele origin: germline. Affected: yes. Observed: 7 variant alleles.
Comment: HSPG2: BP4

Labcorp Genetics (formerly Invitae), Labcorp
Classification: Benign. Last evaluated: 2026-01-27. Review status: criteria provided, single submitter. Criteria: Invitae Variant Classification Sherloc (09022015). Collection method: clinical testing. Allele origin: germline.

ARUP Laboratories, Molecular Genetics and Genomics, ARUP Laboratories
Classification: Benign. Last evaluated: 2025-07-22. Review status: criteria provided, single submitter. Criteria: ARUP Molecular Germline Variant Investigation Process 2024. Collection method: clinical testing. Allele origin: germline.

Blueprint Genetics
Classification: Likely benign. Last evaluated: 2024-11-21. Review status: criteria provided, single submitter. Criteria: ACMG Guidelines, 2015. Collection method: clinical testing. Allele origin: germline.

Athena Diagnostics
Classification: Benign. Last evaluated: 2024-08-20. Review status: criteria provided, single submitter. Criteria: Athena Diagnostics Criteria. Collection method: clinical testing. Allele origin: unknown.

Genome Diagnostics Laboratory, The Hospital for Sick Children
Classification: Likely benign for Connective tissue disorder. Last evaluated: 2021-02-12. Review status: criteria provided, single submitter. Criteria: ACMG Guidelines, 2015. Collection method: clinical testing. Allele origin: germline.

GeneDx
Classification: Benign. Last evaluated: 2019-04-25. Review status: criteria provided, single submitter. Criteria: GeneDx Variant Classification Process June 2021. Collection method: clinical testing. Allele origin: germline. Affected: yes.

Illumina Laboratory Services, Illumina
Classification: Likely benign for Schwartz-Jampel syndrome type 1. Last evaluated: 2018-01-13. Review status: criteria provided, single submitter. Criteria: ICSL Variant Classification Criteria 13 December 2019. Collection method: clinical testing. Allele origin: germline.
Comment: This variant was observed in the ICSL laboratory as part of a predisposition screen in an ostensibly healthy population. It had not been previously curated by ICSL or reported in the Human Gene Mutation Database (HGMD: prior to June 1st, 2018), and was therefore a candidate for classification through an automated scoring system. Utilizing variant allele frequency, disease prevalence and penetrance estimates, and inheritance mode, an automated score was calculated to assess if this variant is too frequent to cause the disease. Based on the score and internal cut-off values, a variant classified as likely benign is not then subjected to further curation. The score for this variant resulted in a classification of likely benign for this disease.

Illumina Laboratory Services, Illumina
Classification: Likely benign for Lethal Kniest-like syndrome. Last evaluated: 2018-01-13. Review status: criteria provided, single submitter. Criteria: ICSL Variant Classification Criteria 13 December 2019. Collection method: clinical testing. Allele origin: germline.
Comment: the same text as in the submission from Illumina Laboratory Services, Illumina above.

Eurofins Ntd Llc (ga)
Classification: Uncertain significance. Last evaluated: 2014-12-08. Review status: criteria provided, single submitter. Criteria: EGL Classification Definitions 2015. Collection method: clinical testing. Allele origin: germline. Observed: 3 variant alleles, 3 heterozygotes.